The following is an entry in ClinVar:

NM_006294.5(UQCRB):c.200T>A (p.Leu67Gln)

Gene: UQCRB (ubiquinol-cytochrome c reductase binding protein; minus strand). Cytogenetic location: 8q22.1.
Variant type: single nucleotide variant.
Coding change: c.200T>A on transcript NM_006294.5 (MANE Select); coding-DNA position 200, T replaced by A.
Protein change: p.Leu67Gln; replaces leucine 67 with glutamine.
Molecular consequence: missense variant. On other transcripts: non-coding transcript variant (1).
Genome position (GRCh38, 1-based): chr8:96,231,832, A>T on the plus strand (T>A on the coding strand, the complement: UQCRB is on the minus strand). VCF-style: chr8-96231832-A-T. GRCh37 (hg19) VCF-style: chr8-97244060-A-T.
Other names: c.104T>A, p.Leu35Gln (NM_001199975.3); c.200T>A, p.Leu67Gln (NM_001254752.2); short protein forms L67Q, L35Q.
Identifiers: ClinVar variation 288054 (VCV000288054.43), dbSNP rs139283183, ClinGen allele CA4815908.
Genomic context (GRCh38, chr8:96,231,832, plus strand): 5'-ACCTCTTCATATTTGGTCCACTGCTCTTTAGGCAAGATCTGATGCTTCAAGTTCAGGTCC[A>T]GTGCCCTCTTAATGCGAAACATCCTGTCATTATAAAGGTTCTCAGGAAGTCTTCTTATGG-3'
Protein context (NP_006285.1, residues 57-77): NDRMFRIKRA[Leu67Gln]DLNLKHQILP

ClinVar aggregate classification (germline): Conflicting classifications of pathogenicity. Review status: criteria provided, conflicting classifications (1 of 4 stars). 6 submissions from 6 submitters: Uncertain significance (1); Benign (1); Likely benign (3). 1 of the submissions does not count toward it. Last evaluated 2025-10-14.

Conditions:
UQCRB-related disorder. Also called: UQCRB-related condition.
Mitochondrial complex III deficiency nuclear type 3. Identifiers: MedGen C3554606, MONDO:0014064, OMIM 615158.

Allele frequency attached by ClinVar (database versions not stated): gnomAD 0.00055 and 0.00070; ESP Exome Variant Server 0.00062; TOPMed 0.00069; 1000 Genomes Project 0.00080; gnomAD exomes 0.00084 and 0.00127; 1000 Genomes Project 30x 0.00094; ExAC 0.00130.
gnomAD v4.1: 1,337 of 1,614,178 alleles (0.083%); highest among the groups gnomAD compares: South Asian, 0.6%; 14 homozygotes.

Submissions (6):

Labcorp Genetics (formerly Invitae), Labcorp
Classification: Likely benign. Last evaluated: 2025-10-14. Review status: criteria provided, single submitter. Criteria: Invitae Variant Classification Sherloc (09022015). Collection method: clinical testing. Allele origin: germline.

CeGaT Center for Human Genetics Tuebingen
Classification: Likely benign. Last evaluated: 2022-11-01. Review status: criteria provided, single submitter. Criteria: CeGaT Center For Human Genetics Tuebingen Variant Classification Criteria Version 2. Collection method: clinical testing. Allele origin: germline. Affected: yes. Observed: 1 variant allele.
Comment: UQCRB: BS2

Department of Pathology and Laboratory Medicine, Sinai Health System
Classification: Likely benign for Mitochondrial complex III deficiency nuclear type 3. Last evaluated: 2021-11-17. Review status: criteria provided, single submitter. Criteria: ACMG Guidelines, 2015. Collection method: research. Allele origin: germline.

GeneDx
Classification: Benign. Last evaluated: 2019-11-27. Review status: criteria provided, single submitter. Criteria: GeneDx Variant Classification Process June 2021. Collection method: clinical testing. Allele origin: germline. Affected: yes.

Eurofins Ntd Llc (ga)
Classification: Uncertain significance. Last evaluated: 2016-06-08. Review status: criteria provided, single submitter. Criteria: EGL Classification Definitions 2015. Collection method: clinical testing. Allele origin: germline. Observed: 2 variant alleles, 2 heterozygotes.

PreventionGenetics, part of Exact Sciences
Classification: Likely benign for UQCRB-related condition. Last evaluated: 2024-01-19. Review status: no assertion criteria provided. Collection method: clinical testing. Allele origin: germline. Not counted in ClinVar's aggregate classification.
Comment: This variant is classified as likely benign based on ACMG/AMP sequence variant interpretation guidelines (Richards et al. 2015 PMID: 25741868, with internal and published modifications).